The following is an entry in ClinVar:

ClinVar aggregate classification (germline): Likely benign. Review status: criteria provided, multiple submitters, no conflicts (2 of 4 stars). 4 submissions from 4 submitters: Likely benign (4). Last evaluated 2026-08-01.

Conditions:
PKD1-related disorder. Also called: PKD1-related condition.
Inborn genetic diseases. Identifiers: MedGen C0950123, MeSH D030342.
Polycystic kidney disease, adult type (PKD1). Also called: Polycystic Kidney Disease 1, Autosomal Dominant; Polycystic kidney disease 1; Polycystic kidney disease 1, severe; POLYCYSTIC KIDNEY DISEASE, ADULT, TYPE I; Polycystic Kidney, Autosomal Dominant; POLYCYSTIC KIDNEY DISEASE 1 WITH OR WITHOUT POLYCYSTIC LIVER DISEASE. Identifiers: MedGen C3149841, MONDO:0008263, OMIM 173900.

gnomAD v4.1: 81 of 1,601,086 alleles (0.0051%); highest among the groups gnomAD compares: African/African-American, 0.025%; no homozygotes.

Submissions (4):

CeGaT Center for Human Genetics Tuebingen
Classification: Likely benign. Last evaluated: 2026-08-01. Review status: criteria provided, single submitter. Criteria: CeGaT Center For Human Genetics Tuebingen Variant Classification Criteria Version 2. Collection method: clinical testing. Allele origin: germline. Affected: yes. Observed: 1 variant allele.
Comment: PKD1: BP4, BP7

PreventionGenetics, part of Exact Sciences
Classification: Likely benign for PKD1-related condition. Last evaluated: 2026-02-10. Review status: criteria provided, single submitter. Criteria: ACMG Guidelines, 2015. Collection method: clinical testing. Allele origin: germline.
Comment: This variant is classified as likely benign based on ACMG/AMP sequence variant interpretation guidelines (Richards et al. 2015 PMID: 25741868, with internal and published modifications).

Ambry Genetics
Classification: Likely benign for Inborn genetic diseases. Last evaluated: 2024-05-29. Review status: criteria provided, single submitter. Criteria: Ambry Variant Classification Scheme 2023. Collection method: clinical testing. Allele origin: germline.

Fulgent Genetics
Classification: Likely benign for Polycystic kidney disease, adult type. Last evaluated: 2024-03-08. Review status: criteria provided, single submitter. Criteria: ACMG Guidelines, 2015. Collection method: clinical testing. Allele origin: germline.

NM_001009944.3(PKD1):c.9714C>T (p.Ser3238=)

Gene: PKD1 (polycystin 1, transient receptor potential channel interacting; minus strand). Cytogenetic location: 16p13.3.
Variant type: single nucleotide variant.
Coding change: c.9714C>T on transcript NM_001009944.3 (MANE Select); coding-DNA position 9714, C replaced by T.
Protein change: p.Ser3238=; no amino-acid change (serine 3238 retained).
Molecular consequence: synonymous variant.
Genome position (GRCh38, 1-based): chr16:2,100,070, G>A on the plus strand (C>T on the coding strand, the complement: PKD1 is on the minus strand). VCF-style: chr16-2100070-G-A. GRCh37 (hg19) VCF-style: chr16-2150071-G-A.
Other names: c.9714C>T, p.Ser3238= (NM_000296.4).
Identifiers: ClinVar variation 3306844 (VCV003306844.4).
Genomic context (GRCh38, chr16:2,100,070, plus strand): 5'-AAAGAAGCCACGCTGCAGCTCAGCCACCAGCAGGCGCCGGAAGCGCAAAAGGGCTGCGTC[G>A]CCTAGAAGGCAGGGAGGGCCGCACTGCAGGAGGCCACGGGGCAGGACCACCCTGCCCAAC-3'
Protein context (NP_001009944.3, residues 3228-3248): GLVEKEVLAA[Ser3238=]DAALLRFRRL